The following is an entry in ClinVar:

ClinVar aggregate classification (germline): Uncertain significance (1 of 4 stars; one submission).

Conditions:
Emery-Dreifuss muscular dystrophy 5, autosomal dominant (EDMD5). Also called: EMERY-DREIFUSS MUSCULAR DYSTROPHY 5. Identifiers: Orphanet 261, MedGen C2751805, MONDO:0013072, OMIM 612999.

Submission:

Labcorp Genetics (formerly Invitae), Labcorp
Classification: Uncertain significance for Emery-Dreifuss muscular dystrophy 5, autosomal dominant. Last evaluated: 2025-10-15. Review status: criteria provided, single submitter. Criteria: Invitae Variant Classification Sherloc (09022015). Collection method: clinical testing. Allele origin: germline.
Comment: This sequence change replaces isoleucine, which is neutral and non-polar, with valine, which is neutral and non-polar, at codon 6586 of the SYNE2 protein (p.Ile6586Val). This variant is not present in population databases (gnomAD no frequency). This variant has not been reported in the literature in individuals affected with SYNE2-related conditions. An algorithm developed to predict the effect of missense changes on protein structure and function outputs the following: PolyPhen-2: "Benign". The valine amino acid residue is found in multiple mammalian species, which suggests that this missense change does not adversely affect protein function. In summary, the available evidence is currently insufficient to determine the role of this variant in disease. Therefore, it has been classified as a Variant of Uncertain Significance.

NM_182914.3(SYNE2):c.19756A>G (p.Ile6586Val)

Gene: SYNE2 (spectrin repeat containing nuclear envelope protein 2; plus strand). Cytogenetic location: 14q23.2.
Variant type: single nucleotide variant.
Coding change: c.19756A>G on transcript NM_182914.3 (MANE Select); coding-DNA position 19756, A replaced by G.
Protein change: p.Ile6586Val; replaces isoleucine 6586 with valine.
Molecular consequence: missense variant.
Genome position (GRCh38, 1-based): chr14:64,219,306, A>G. VCF-style: chr14-64219306-A-G. GRCh37 (hg19) VCF-style: chr14-64686024-A-G.
Other names: c.19687A>G, p.Ile6563Val (NM_015180.6); c.280A>G, p.Ile94Val (NM_182910.2); c.658A>G, p.Ile220Val (NM_182913.4); short protein forms I6586V, I94V, I220V, I6563V.
Identifiers: ClinVar variation 4728993 (VCV004728993.1).